The following is an entry in ClinVar:

NM_006648.4(WNK2):c.4547G>A (p.Ser1516Asn)

Gene: WNK2 (WNK lysine deficient protein kinase 2; plus strand). Cytogenetic location: 9q22.31.
Variant type: single nucleotide variant.
Coding change: c.4547G>A on transcript NM_006648.4 (MANE Select); coding-DNA position 4547, G replaced by A.
Protein change: p.Ser1516Asn; replaces serine 1516 with asparagine.
Molecular consequence: missense variant.
Genome position (GRCh38, 1-based): chr9:93,289,301, G>A. VCF-style: chr9-93289301-G-A. GRCh37 (hg19) VCF-style: chr9-96051583-G-A.
Other names: c.4658G>A, p.Ser1553Asn (NM_001282394.3); short protein forms S1516N, S1553N.
Identifiers: ClinVar variation 4866586 (VCV004866586.1).

ClinVar aggregate classification (germline): Uncertain significance (1 of 4 stars; one submission).

Submission:

Ambry Genetics
Classification: Uncertain significance. Last evaluated: 2026-04-12. Review status: criteria provided, single submitter. Criteria: Ambry Variant Classification Scheme 2023. Collection method: clinical testing. Allele origin: germline.
Comment: The p.S1516N variant (also known as c.4547G>A), located in coding exon 19 of the WNK2 gene, results from a G to A substitution at nucleotide position 4547. The serine at codon 1516 is replaced by asparagine, an amino acid with highly similar properties. This amino acid position is conserved. In addition, this alteration is predicted to be tolerated by in silico analysis. Based on the available evidence, the clinical significance of this variant remains unclear.